The following is an entry in ClinVar:

ClinVar aggregate classification (germline): Likely benign. Review status: criteria provided, multiple submitters, no conflicts (2 of 4 stars). 2 submissions from 2 submitters: Likely benign (2). Last evaluated 2025-09-02.

Conditions:
XRCC4-related disorder. Also called: XRCC4-related condition.

gnomAD v4.1: 17 of 1,610,890 alleles (0.0011%); highest among the groups gnomAD compares: African/African-American, 0.0094%; no homozygotes.

Submissions (2):

Labcorp Genetics (formerly Invitae), Labcorp
Classification: Likely benign. Last evaluated: 2025-09-02. Review status: criteria provided, single submitter. Criteria: Invitae Variant Classification Sherloc (09022015). Collection method: clinical testing. Allele origin: germline.

PreventionGenetics, part of Exact Sciences
Classification: Likely benign for XRCC4-related condition. Last evaluated: 2024-12-04. Review status: criteria provided, single submitter. Criteria: ACMG Guidelines, 2015. Collection method: clinical testing. Allele origin: germline.
Comment: This variant is classified as likely benign based on ACMG/AMP sequence variant interpretation guidelines (Richards et al. 2015 PMID: 25741868, with internal and published modifications).

NM_003401.5(XRCC4):c.921T>A (p.Ser307=)

Gene: XRCC4 (X-ray repair cross complementing 4; plus strand). Cytogenetic location: 5q14.2.
Variant type: single nucleotide variant.
Coding change: c.921T>A on transcript NM_003401.5 (MANE Select); coding-DNA position 921, T replaced by A.
Protein change: p.Ser307=; no amino-acid change (serine 307 retained).
Molecular consequence: synonymous variant.
Genome position (GRCh38, 1-based): chr5:83,353,158, T>A. VCF-style: chr5-83353158-T-A. GRCh37 (hg19) VCF-style: chr5-82648977-T-A.
Other names: c.927T>A, p.Ser309= (NM_001318012.3, NM_022406.5); c.921T>A, p.Ser307= (NM_022550.4); c.927T>A (NM_022406.3).
Identifiers: ClinVar variation 2962784 (VCV002962784.4), dbSNP rs1056503, ClinGen allele CA3332311.